The following is an entry in ClinVar:

ClinVar aggregate classification (germline): Uncertain significance (1 of 4 stars; one submission).

Conditions:
Familial thoracic aortic aneurysm and aortic dissection (TAAD). Also called: Thoracic aortic aneurysms and dissections. Identifiers: Orphanet 91387, MedGen C4707243, MONDO:0019625.

Submission:

Ambry Genetics
Classification: Uncertain significance for Familial thoracic aortic aneurysm and aortic dissection. Last evaluated: 2025-12-16. Review status: criteria provided, single submitter. Criteria: Ambry Variant Classification Scheme 2023. Collection method: clinical testing. Allele origin: germline.
Comment: The p.K1019T variant (also known as c.3056A>C), located in coding exon 20 of the FLNA gene, results from an A to C substitution at nucleotide position 3056. The lysine at codon 1019 is replaced by threonine, an amino acid with similar properties. This amino acid position is conserved. In addition, the in silico prediction for this alteration is inconclusive. Based on the available evidence, the clinical significance of this variant remains unclear.

NM_001110556.2(FLNA):c.3056A>C (p.Lys1019Thr)

Gene: FLNA (filamin A; minus strand). Cytogenetic location: Xq28.
Variant type: single nucleotide variant.
Coding change: c.3056A>C on transcript NM_001110556.2 (MANE Select); coding-DNA position 3056, A replaced by C.
Protein change: p.Lys1019Thr; replaces lysine 1019 with threonine.
Molecular consequence: missense variant.
Genome position (GRCh38, 1-based): chrX:154,361,459, T>G on the plus strand (A>C on the coding strand, the complement: FLNA is on the minus strand). VCF-style: chrX-154361459-T-G. GRCh37 (hg19) VCF-style: chrX-153589827-T-G.
Other names: c.3056A>C, p.Lys1019Thr (NM_001456.4); short protein forms K1019T.
Identifiers: ClinVar variation 4842266 (VCV004842266.1).